The following is an entry in ClinVar:

ClinVar aggregate classification (germline): other (0 of 4 stars; one submission).

Conditions:
Familial colorectal cancer. Identifiers: MedGen CN280943, MONDO:0023113. Disease mechanism: loss of function.

Submission:

Systems Biology Platform Zhejiang California International NanoSystems Institute
Classification: other for Familial colorectal cancer. Review status: no assertion criteria provided. Collection method: not provided. Allele origin: unknown.
ClinVar note: Converted during submission from cancer to other.

NM_000038.6(APC):c.531+1768C>A

Gene: APC (APC regulator of WNT signaling pathway; plus strand). Cytogenetic location: 5q22.2.
Variant type: single nucleotide variant.
Coding change: c.531+1768C>A on transcript NM_000038.6 (MANE Select); 1768 bases into the intron after coding-DNA position 531, C replaced by A.
Molecular consequence: intron variant.
Genome position (GRCh38, 1-based): chr5:112,777,505, C>A. VCF-style: chr5-112777505-C-A. GRCh37 (hg19) VCF-style: chr5-112113202-C-A.
Other names: c.531+1768C>A (NM_001354895.2, NM_001127510.3, NM_001354896.2 and 2 more transcripts); c.561+1768C>A (NM_001354897.2, NM_001354902.2, NM_001127511.3); c.456+1768C>A (NM_001354898.2, NM_001354904.2); c.-505+1768C>A (NM_001354906.2); c.354+1768C>A (NM_001354900.2, NM_001354901.2, NM_001354905.2).
Identifiers: ClinVar variation 82923 (VCV000082923.2), dbSNP rs76977570, ClinGen allele CA010137.